The following is an entry in ClinVar:

ClinVar aggregate classification (germline): Benign. Review status: criteria provided, multiple submitters, no conflicts (2 of 4 stars). 6 submissions from 6 submitters: Benign (6). Last evaluated 2026-01-29.

Conditions:
Hereditary spastic paraplegia 15 (SPG15). Also called: SPASTIC PARAPLEGIA 15, AUTOSOMAL RECESSIVE; KJELLIN SYNDROME; SPASTIC PARAPLEGIA AND RETINAL DEGENERATION. Identifiers: Orphanet 100996, MedGen C1849128, MONDO:0010044, OMIM 270700.
Spastic paraplegia. Identifiers: MedGen C0037772, HP:0001258.
Hereditary spastic paraplegia. Also called: Familial spastic paraparesis. Identifiers: Orphanet 685, MedGen C0037773, MONDO:0019064. Disease mechanism: loss of function.

Allele frequency attached by ClinVar (database versions not stated): ESP Exome Variant Server 0.00038; gnomAD 0.00203 and 0.00289; gnomAD exomes 0.00229 and 0.00569; TOPMed 0.00324; ExAC 0.00543; 1000 Genomes Project 30x 0.01421; 1000 Genomes Project 0.01597.
gnomAD v4.1: 3,906 of 1,613,986 alleles (0.24%); highest among the groups gnomAD compares: East Asian, 7.1%; 138 homozygotes.

Submissions (6):

Labcorp Genetics (formerly Invitae), Labcorp
Classification: Benign for Spastic paraplegia. Last evaluated: 2026-01-29. Review status: criteria provided, single submitter. Criteria: Invitae Variant Classification Sherloc (09022015). Collection method: clinical testing. Allele origin: germline.

Genome-Nilou Lab
Classification: Benign for Hereditary spastic paraplegia 15. Last evaluated: 2021-12-05. Review status: criteria provided, single submitter. Criteria: ACMG Guidelines, 2015. Collection method: clinical testing. Allele origin: germline. Affected: no.

Genome Diagnostics Laboratory, The Hospital for Sick Children
Classification: Benign for Hereditary spastic paraplegia. Last evaluated: 2021-11-18. Review status: criteria provided, single submitter. Criteria: ACMG Guidelines, 2015. Collection method: clinical testing. Allele origin: germline. Affected: yes.

GeneDx
Classification: Benign. Last evaluated: 2019-05-24. Review status: criteria provided, single submitter. Criteria: GeneDx Variant Classification Process June 2021. Collection method: clinical testing. Allele origin: germline. Affected: yes.

Illumina Laboratory Services, Illumina
Classification: Benign for Hereditary spastic paraplegia 15. Last evaluated: 2018-01-13. Review status: criteria provided, single submitter. Criteria: ICSL Variant Classification Criteria 13 December 2019. Collection method: clinical testing. Allele origin: germline.
Comment: This variant was observed in the ICSL laboratory as part of a predisposition screen in an ostensibly healthy population. It had not been previously curated by ICSL or reported in the Human Gene Mutation Database (HGMD: prior to June 1st, 2018), and was therefore a candidate for classification through an automated scoring system. Utilizing variant allele frequency, disease prevalence and penetrance estimates, and inheritance mode, an automated score was calculated to assess if this variant is too frequent to cause the disease. Based on the score and internal cut-off values, a variant classified as benign is not then subjected to further curation. The score for this variant resulted in a classification of benign for this disease.

Breakthrough Genomics
Classification: Benign. Review status: criteria provided, single submitter. Criteria: ACMG Guidelines, 2015. Collection method: not provided. Allele origin: germline. Inheritance: Autosomal recessive inheritance. Affected: yes.

NM_015346.4(ZFYVE26):c.453C>T (p.Ser151=)

Gene: ZFYVE26 (zinc finger FYVE-type containing 26; minus strand). Cytogenetic location: 14q24.1.
Variant type: single nucleotide variant.
Coding change: c.453C>T on transcript NM_015346.4 (MANE Select); coding-DNA position 453, C replaced by T.
Protein change: p.Ser151=; no amino-acid change (serine 151 retained).
Molecular consequence: synonymous variant.
Genome position (GRCh38, 1-based): chr14:67,807,831, G>A on the plus strand (C>T on the coding strand, the complement: ZFYVE26 is on the minus strand). VCF-style: chr14-67807831-G-A. GRCh37 (hg19) VCF-style: chr14-68274548-G-A.
Identifiers: ClinVar variation 313925 (VCV000313925.22), dbSNP rs75391113, ClinGen allele CA7240781.
Genomic context (GRCh38, chr14:67,807,831, plus strand): 5'-CAGGGCCTGTGCTGGCTGGGGAGACTGCCTCAGGAGATCCCAGAGCACAGAGACAGCTTC[G>A]GAGCTGAGACGAGGAGTCCAGCTCTCCCTCCTTGGATTTCCGTCAGGCACGTGGCCTACT-3'
Protein context (NP_056161.2, residues 141-161): RRESWTPRLS[Ser151=]EAVSVLWDLL